The following is an entry in ClinVar:

NM_006513.4(SARS1):c.126G>A (p.Glu42=)

Genes: SARS1 (seryl-tRNA synthetase 1; plus strand), LOC129931093 (ATAC-STARR-seq lymphoblastoid active region 1437; plus strand). Cytogenetic location: 1p13.3.
Variant type: single nucleotide variant.
Coding change: c.126G>A on transcript NM_006513.4 (MANE Select); coding-DNA position 126, G replaced by A.
Protein change: p.Glu42=; no amino-acid change (glutamic acid 42 retained).
Molecular consequence: synonymous variant. On other transcripts: non-coding transcript variant (1).
Genome position (GRCh38, 1-based): chr1:109,214,118, G>A. VCF-style: chr1-109214118-G-A. GRCh37 (hg19) VCF-style: chr1-109756740-G-A.
Other names: c.126G>A, p.Glu42= (NM_001330669.1).
Identifiers: ClinVar variation 1690455 (VCV001690455.2), dbSNP rs2101176763, ClinGen allele CA419361291.
Genomic context (GRCh38, chr1:109,214,118, plus strand): 5'-GCAGGAGAAGCGCTTCAAGGACCCGGGACTAGTGGACCAGCTGGTGAAGGCAGACAGCGA[G>A]TGGCGACGATGTAAGTACCGGGACGGGCGGGTTACCTCCTTGATGCTAAACCCAATTTTC-3'
Protein context (NP_006504.2, residues 32-52): LVDQLVKADS[Glu42=]WRRCRFRADN

ClinVar aggregate classification (germline): Uncertain significance (1 of 4 stars; one submission).

gnomAD v4.1: 2 of 1,613,808 alleles (0.00012%); highest among the groups gnomAD compares: Non-Finnish European, 0.00017%; no homozygotes.

Submission:

Laboratorio de Genetica e Diagnostico Molecular, Hospital Israelita Albert Einstein
Classification: Uncertain significance. Last evaluated: 2021-10-06. Review status: criteria provided, single submitter. Criteria: ACMG Guidelines, 2015. Collection method: clinical testing. Allele origin: germline. Affected: yes.
Comment: ACMG classification criteria: PM2